The following is an entry in ClinVar:

NM_152703.5(SAMD9L):c.2495del (p.Thr832fs)

Gene: SAMD9L (sterile alpha motif domain containing 9 like; minus strand). Cytogenetic location: 7q21.2.
Variant type: Deletion.
Coding change: c.2495del on transcript NM_152703.5 (MANE Select); coding-DNA position 2495, one base deleted (C; older notation c.2495delC).
Protein change: p.Thr832fs; shifts the reading frame from threonine 832.
Molecular consequence: frameshift variant.
Genome position (GRCh38, 1-based): chr7:93,133,477, G deleted on the plus strand (C on the coding strand, the reverse complement: SAMD9L is on the minus strand). VCF-style (leftmost placement, unchanged base first): chr7-93133476-TG-T. GRCh37 (hg19) VCF-style: chr7-92762789-TG-T.
Other names: c.2495del, p.Thr832fs (NM_001303496.3, NM_001303497.3, NM_001303498.3 and 5 more transcripts); short protein forms T832fs.
Identifiers: ClinVar variation 3602704 (VCV003602704.1).

ClinVar aggregate classification (germline): Uncertain significance (1 of 4 stars; one submission).

Conditions:
Ataxia-pancytopenia syndrome (ATXPC). Also called: SAMD9L Ataxia-Pancytopenia Syndrome; SAMD9L-Related Syndrome. Identifiers: Orphanet 2585, MedGen C1327919, MONDO:0008038, OMIM 159550.

Submission:

St. Jude Molecular Pathology, St. Jude Children's Research Hospital
Classification: Uncertain significance for Ataxia-pancytopenia syndrome. Last evaluated: 2024-09-16. Review status: criteria provided, single submitter. Criteria: St. Jude Assertion Criteria 2020. Collection method: clinical testing. Allele origin: germline.
Comment: The SAMD9L c.2495del (p.Thr832AsnfsTer3) change causes a frameshift and the creation of a premature stop codon, however the functional significance of this variant is currently unknown. This variant is absent in gnomAD v2.1.1. To our knowledge, this variant has not been reported in individuals with ataxia-pancytopenia syndrome or monosomy 7. In summary, the evidence currently available is insufficient to determine the clinical significance of this variant. It has therefore been classified as of uncertain significance.?